The following is an entry in ClinVar:

NM_000128.4(F11):c.1416T>A (p.Tyr472Ter)

Gene: F11 (coagulation factor XI; plus strand). Cytogenetic location: 4q35.2.
Variant type: single nucleotide variant.
Coding change: c.1416T>A on transcript NM_000128.4 (MANE Select); coding-DNA position 1416, T replaced by A.
Protein change: p.Tyr472Ter; replaces tyrosine 472 with a stop codon.
Molecular consequence: nonsense.
Genome position (GRCh38, 1-based): chr4:186,285,749, T>A. VCF-style: chr4-186285749-T-A. GRCh37 (hg19) VCF-style: chr4-187206903-T-A.
Other names: c.1368T>A, p.Tyr456Ter (NM_001440590.1, NM_001440596.1); c.1416T>A, p.Tyr472Ter (NM_001440593.1); c.1146T>A, p.Tyr382Ter (NM_001440605.1, NM_001440607.1); c.1098T>A, p.Tyr366Ter (NM_001440606.1, NM_001440608.1); short protein forms Y366*, Y382*, Y456*, Y472*.
Identifiers: ClinVar variation 5013857 (VCV005013857.1).

ClinVar aggregate classification (germline): Pathogenic (1 of 4 stars; one submission).

Conditions:
Hereditary factor XI deficiency disease. Also called: PLASMA THROMBOPLASTIN ANTECEDENT DEFICIENCY; PTA DEFICIENCY; ROSENTHAL SYNDROME; Congenital factor XI deficiency. Identifiers: Orphanet 329, MedGen C0015523, MeSH D005173, MONDO:0012897, OMIM 612416.

Submission:

Myriad Genetics, Inc.
Classification: Pathogenic for Hereditary factor XI deficiency disease. Last evaluated: 2024-12-15. Review status: criteria provided, single submitter. Criteria: Myriad Autosomal Dominant, Autosomal Recessive and X-Linked Classification Criteria (2023). Collection method: clinical testing. Allele origin: unknown.
Comment: NM_000128.3(F11):c.1416T>A(Y472*) is expected to be pathogenic in the context of factor XI deficiency. This variant is predicted to lead to an abnormal or absent protein product due to the creation of a premature termination codon in F11, a gene where loss-of-function variants are known to be pathogenic. Please note: this variant was assessed in the context of healthy population screening.